The following is an entry in ClinVar:

ClinVar aggregate classification (germline): Uncertain significance (1 of 4 stars; one submission).

Conditions:
Beckwith-Wiedemann syndrome (BWS). Also called: EMG SYNDROME; Exomphalos macroglossia gigantism syndrome. Identifiers: Orphanet 116, MedGen C0004903, MONDO:0007534, OMIM 130650.

Submission:

Labcorp Genetics (formerly Invitae), Labcorp
Classification: Uncertain significance for Beckwith-Wiedemann syndrome. Last evaluated: 2023-07-07. Review status: criteria provided, single submitter. Criteria: Invitae Variant Classification Sherloc (09022015). Collection method: clinical testing. Allele origin: germline.
Comment: This sequence change replaces proline, which is neutral and non-polar, with arginine, which is basic and polar, at codon 204 of the CDKN1C protein (p.Pro204Arg). The frequency data for this variant in the population databases is considered unreliable, as metrics indicate insufficient coverage at this position in the gnomAD database. This variant has not been reported in the literature in individuals affected with CDKN1C-related conditions. ClinVar contains an entry for this variant (Variation ID: 660813). Advanced modeling of protein sequence and biophysical properties (such as structural, functional, and spatial information, amino acid conservation, physicochemical variation, residue mobility, and thermodynamic stability) performed at Invitae indicates that this missense variant is not expected to disrupt CDKN1C protein function. In summary, the available evidence is currently insufficient to determine the role of this variant in disease. Therefore, it has been classified as a Variant of Uncertain Significance.

NM_001122630.2(CDKN1C):c.578C>G (p.Pro193Arg)

Gene: CDKN1C (cyclin dependent kinase inhibitor 1C; minus strand). Cytogenetic location: 11p15.4.
Variant type: single nucleotide variant.
Coding change: c.578C>G on transcript NM_001122630.2 (MANE Select); coding-DNA position 578, C replaced by G.
Protein change: p.Pro193Arg; replaces proline 193 with arginine.
Molecular consequence: missense variant. On other transcripts: intron variant (1).
Genome position (GRCh38, 1-based): chr11:2,884,879, G>C on the plus strand (C>G on the coding strand, the complement: CDKN1C is on the minus strand). VCF-style: chr11-2884879-G-C. GRCh37 (hg19) VCF-style: chr11-2906109-G-C.
Other names: c.611C>G, p.Pro204Arg (LRG_533t1, NM_000076.2, NM_001362474.2); c.578C>G, p.Pro193Arg (NM_001122631.2); c.255+323C>G (NM_001362475.2); short protein forms P204R, P193R.
Identifiers: ClinVar variation 660813 (VCV000660813.4), dbSNP rs2583440, ClinGen allele CA216367273.
Genomic context (GRCh38, chr11:2,884,879, plus strand): 5'-GCGCTCTCTTGAGGCGCCGCGTCCGGGGCCGGGGCCGGGGCGGGGGCCGGGGCCGGGGCC[G>C]GGGCCGGGGCTGGGGCCGGGGCCGCGACTGGAGCCGGGGCCGGAGCCGGAGCCGGAGCCG-3'
Protein context (NP_001116102.1, residues 183-203): PVAAPAPAPA[Pro193Arg]APAPAPAPAP